The following is an entry in ClinVar:

ClinVar aggregate classification (germline): Uncertain significance (1 of 4 stars; one submission).

Allele frequency attached by ClinVar (database versions not stated): gnomAD exomes below 0.00001.

Submission:

Women's Health and Genetics/Laboratory Corporation of America, LabCorp
Classification: Uncertain significance. Last evaluated: 2023-06-27. Review status: criteria provided, single submitter. Criteria: LabCorp Variant Classification Summary - May 2015. Collection method: clinical testing. Allele origin: germline.
Comment: Variant summary: TAT c.709G>C (p.Ala237Pro) results in a non-conservative amino acid change located in the Aminotransferase, class I/classII domain (IPR004839) of the encoded protein sequence. Five of five in-silico tools predict a damaging effect of the variant on protein function. 4/4 computational tools predict no significant impact on normal splicing. However, these predictions have yet to be confirmed by functional studies. The variant was absent in 251220 control chromosomes (gnomAD). The available data on variant occurrences in the general population are insufficient to allow any conclusion about variant significance. c.709G>C has been reported in the literature in an individual affected with Tyrosinemia Type 2 (example: Pena-Quintana_2017). This report does not provide unequivocal conclusions about association of the variant with Tyrosinemia Type 2. To our knowledge, no experimental evidence demonstrating an impact on protein function has been reported. The following publication has been ascertained in the context of this evaluation (PMID: 28255985). No submitters have cited clinical-significance assessments for this variant to ClinVar after 2014. Based on the evidence outlined above, the variant was classified as uncertain significance.

Literature cited by the submitters: PubMed 28255985.

NM_000353.3(TAT):c.709G>C (p.Ala237Pro)

Genes: TAT (tyrosine aminotransferase; minus strand), TAT-AS1 (TAT antisense RNA 1; plus strand). Cytogenetic location: 16q22.2.
Variant type: single nucleotide variant.
Coding change: c.709G>C on transcript NM_000353.3 (MANE Select); coding-DNA position 709, G replaced by C.
Protein change: p.Ala237Pro; replaces alanine 237 with proline.
Molecular consequence: missense variant.
Genome position (GRCh38, 1-based): chr16:71,571,656, C>G on the plus strand (G>C on the coding strand, the complement: TAT is on the minus strand). VCF-style: chr16-71571656-C-G. GRCh37 (hg19) VCF-style: chr16-71605559-C-G.
Other names: short protein forms A237P.
Identifiers: ClinVar variation 2573399 (VCV002573399.1), dbSNP rs2507665653, ClinGen allele CA396652105.